The following is an entry in ClinVar:

ClinVar aggregate classification (germline): Uncertain significance. Review status: criteria provided, multiple submitters, no conflicts (2 of 4 stars). 4 submissions from 4 submitters: Uncertain significance (4). Last evaluated 2025-03-17.

Conditions:
Inborn genetic diseases. Identifiers: MedGen C0950123, MeSH D030342.

gnomAD v4.1: 58 of 1,384,334 alleles (0.0042%); highest among the groups gnomAD compares: Non-Finnish European, 0.0054%; no homozygotes.

Submissions (4):

Ambry Genetics
Classification: Uncertain significance for Inborn genetic diseases. Last evaluated: 2025-03-17. Review status: criteria provided, single submitter. Criteria: Ambry Variant Classification Scheme 2023. Collection method: clinical testing. Allele origin: germline.

Labcorp Genetics (formerly Invitae), Labcorp
Classification: Uncertain significance. Last evaluated: 2024-05-02. Review status: criteria provided, single submitter. Criteria: Invitae Variant Classification Sherloc (09022015). Collection method: clinical testing. Allele origin: germline.
Comment: This sequence change replaces alanine, which is neutral and non-polar, with valine, which is neutral and non-polar, at codon 149 of the GRIN2D protein (p.Ala149Val). This variant is not present in population databases (gnomAD no frequency). This variant has not been reported in the literature in individuals affected with GRIN2D-related conditions. ClinVar contains an entry for this variant (Variation ID: 1516900). Advanced modeling of protein sequence and biophysical properties (such as structural, functional, and spatial information, amino acid conservation, physicochemical variation, residue mobility, and thermodynamic stability) performed at Invitae indicates that this missense variant is not expected to disrupt GRIN2D protein function with a negative predictive value of 80%. In summary, the available evidence is currently insufficient to determine the role of this variant in disease. Therefore, it has been classified as a Variant of Uncertain Significance.

Blueprint Genetics
Classification: Uncertain significance. Last evaluated: 2023-09-11. Review status: criteria provided, single submitter. Criteria: ACMG Guidelines, 2015. Collection method: clinical testing. Allele origin: germline.

Greenwood Genetic Center Diagnostic Laboratories, Greenwood Genetic Center
Classification: Uncertain significance. Last evaluated: 2022-06-09. Review status: criteria provided, single submitter. Criteria: ACMG Guidelines, 2015. Collection method: clinical testing. Allele origin: germline. Affected: yes.
Comment: PM2, PP2, PP3

NM_000836.4(GRIN2D):c.446C>T (p.Ala149Val)

Genes: GRIN2D (glutamate ionotropic receptor NMDA type subunit 2D; plus strand), LOC130064856 (ATAC-STARR-seq lymphoblastoid silent region 10880; plus strand). Cytogenetic location: 19q13.33.
Variant type: single nucleotide variant.
Coding change: c.446C>T on transcript NM_000836.4 (MANE Select); coding-DNA position 446, C replaced by T.
Protein change: p.Ala149Val; replaces alanine 149 with valine.
Molecular consequence: missense variant.
Genome position (GRCh38, 1-based): chr19:48,398,838, C>T. VCF-style: chr19-48398838-C-T. GRCh37 (hg19) VCF-style: chr19-48902095-C-T.
Other names: short protein forms A149V.
Identifiers: ClinVar variation 1516900 (VCV001516900.10), dbSNP rs935135704, ClinGen allele CA309325645.